The following is an entry in ClinVar:

ClinVar aggregate classification (germline): Uncertain significance. Review status: criteria provided, multiple submitters, no conflicts (2 of 4 stars). 2 submissions from 2 submitters: Uncertain significance (2). Last evaluated 2025-05-16.

Conditions:
Lethal left ventricular non-compaction-seizures-hypotonia-cataract-developmental delay syndrome. Also called: Combined oxidative phosphorylation deficiency 31. Identifiers: Orphanet 478049, MedGen C4310661, MONDO:0014976, OMIM 617228.
Inborn genetic diseases. Identifiers: MedGen C0950123, MeSH D030342.

Allele frequency attached by ClinVar (database versions not stated): ExAC 0.00002; gnomAD 0.00003; gnomAD exomes 0.00003 and 0.00002; TOPMed 0.00004.

Submissions (2):

Ambry Genetics
Classification: Uncertain significance for Inborn genetic diseases. Last evaluated: 2025-05-16. Review status: criteria provided, single submitter. Criteria: Ambry Variant Classification Scheme 2023. Collection method: clinical testing. Allele origin: germline.

Centre for Mendelian Genomics, University Medical Centre Ljubljana
Classification: Uncertain significance for Lethal left ventricular non-compaction-seizures-hypotonia-cataract-developmental delay syndrome. Last evaluated: 2019-08-09. Review status: criteria provided, single submitter. Criteria: ACMG Guidelines, 2015. Collection method: clinical testing. Allele origin: unknown. Affected: yes.
Comment: This variant was classified as: Uncertain significance. The available evidence favors the pathogenic nature of this variant, however the currently available data is insufficient to conclusively support its pathogenic nature. Thus this variant is classified as Uncertain significance - favor pathogenic. The following ACMG criteria were applied in classifying this variant: PM2,PP3. This variant was detected in homozygous state.

NM_005932.4(MIPEP):c.604C>T (p.Arg202Cys)

Gene: MIPEP (mitochondrial intermediate peptidase; minus strand). Cytogenetic location: 13q12.12.
Variant type: single nucleotide variant.
Coding change: c.604C>T on transcript NM_005932.4 (MANE Select); coding-DNA position 604, C replaced by T.
Protein change: p.Arg202Cys; replaces arginine 202 with cysteine.
Molecular consequence: missense variant.
Genome position (GRCh38, 1-based): chr13:23,870,195, G>A on the plus strand (C>T on the coding strand, the complement: MIPEP is on the minus strand). VCF-style: chr13-23870195-G-A. GRCh37 (hg19) VCF-style: chr13-24444334-G-A.
Other names: short protein forms R202C.
Identifiers: ClinVar variation 931631 (VCV000931631.4), dbSNP rs749594049, ClinGen allele CA6913250.